The following is an entry in ClinVar:

ClinVar aggregate classification (germline): Pathogenic. Review status: criteria provided, multiple submitters, no conflicts (2 of 4 stars). 3 submissions from 3 submitters: Pathogenic (3). Last evaluated 2023-08-04.

Conditions:
Early-infantile DEE. Also called: Early infantile epileptic encephalopathy with suppression bursts; Early infantile epileptic encephalopathy; Ohtahara syndrome. Identifiers: Orphanet 1934, MedGen C0393706, MONDO:0800491.
Severe myoclonic epilepsy in infancy (DRVT). Also called: Dravet syndrome; Epileptic encephalopathy, early infantile, 6 (Dravet syndrome); SEVERE MYOCLONIC EPILEPSY OF INFANCY; DEVELOPMENTAL AND EPILEPTIC ENCEPHALOPATHY 6A; Severe Myoclonic Epilepsy in Infancy (SMEI). Identifiers: Orphanet 33069, MedGen C0751122, MONDO:0100135, OMIM 607208.

Submissions (3):

Labcorp Genetics (formerly Invitae), Labcorp
Classification: Pathogenic for Early-infantile DEE. Last evaluated: 2023-08-04. Review status: criteria provided, single submitter. Criteria: Invitae Variant Classification Sherloc (09022015). Collection method: clinical testing. Allele origin: germline.
Comment: This sequence change creates a premature translational stop signal (p.Trp873*) in the SCN1A gene. It is expected to result in an absent or disrupted protein product. Loss-of-function variants in SCN1A are known to be pathogenic (PMID: 17347258, 18930999). This variant is not present in population databases (gnomAD no frequency). This premature translational stop signal has been observed in individual(s) with Dravet syndrome (PMID: 31031587, 31864146). This variant is also known as p.Gly873Asp. ClinVar contains an entry for this variant (Variation ID: 1076294). For these reasons, this variant has been classified as Pathogenic.

Clinical Genetics Service, Universitary Hospital 12 de Octubre
Classification: Pathogenic for Severe myoclonic epilepsy in infancy. Review status: criteria provided, single submitter. Criteria: ACMG Guidelines, 2015. Collection method: clinical testing. Allele origin: de novo. Affected: yes.

Pediatric Department, Xiangya Hospital, Central South University
Classification: Pathogenic for Dravet syndrome. Review status: criteria provided, single submitter. Criteria: ACMG Guidelines, 2015. Collection method: research. Allele origin: de novo. Affected: yes.

Literature cited by the submitters: PubMed 17347258 (cited by Labcorp Genetics (formerly Invitae), Labcorp); PubMed 18930999 (cited by Labcorp Genetics (formerly Invitae), Labcorp); PubMed 31031587 (cited by Labcorp Genetics (formerly Invitae), Labcorp); PubMed 31864146 (cited by Labcorp Genetics (formerly Invitae), Labcorp).

NM_001165963.4(SCN1A):c.2618G>A (p.Trp873Ter)

Gene: SCN1A (sodium voltage-gated channel alpha subunit 1; minus strand). Cytogenetic location: 2q24.3.
Variant type: single nucleotide variant.
Coding change: c.2618G>A on transcript NM_001165963.4 (MANE Select); coding-DNA position 2618, G replaced by A.
Protein change: p.Trp873Ter; replaces tryptophan 873 with a stop codon.
Molecular consequence: nonsense. On other transcripts: non-coding transcript variant (1).
Genome position (GRCh38, 1-based): chr2:166,038,104, C>T on the plus strand (G>A on the coding strand, the complement: SCN1A is on the minus strand). VCF-style: chr2-166038104-C-T. GRCh37 (hg19) VCF-style: chr2-166894614-C-T.
Other names: c.2534G>A, p.Trp845Ter (NM_001165964.3, NM_001353958.2, NM_001353957.2); c.2618G>A, p.Trp873Ter (NM_001202435.3, NM_001353948.2); c.2585G>A, p.Trp862Ter (NM_006920.6, NM_001353949.2, NM_001353950.2 and 2 more transcripts); c.2531G>A, p.Trp844Ter (NM_001353960.2); c.176G>A, p.Trp59Ter (NM_001353961.2); c.2582G>A, p.Trp861Ter (NM_001353954.2, NM_001353955.2); short protein forms W59*, W844*, W845*, W861*, W862*, W873*.
Identifiers: ClinVar variation 1076294 (VCV001076294.9), dbSNP rs2105808640, ClinGen allele CA349061739.